The following is an entry in ClinVar:

NM_004415.4(DSP):c.6785G>A (p.Gly2262Asp)

Gene: DSP (desmoplakin; plus strand). Cytogenetic location: 6p24.3.
Variant type: single nucleotide variant.
Coding change: c.6785G>A on transcript NM_004415.4 (MANE Select); coding-DNA position 6785, G replaced by A.
Protein change: p.Gly2262Asp; replaces glycine 2262 with aspartic acid.
Molecular consequence: missense variant.
Genome position (GRCh38, 1-based): chr6:7,584,047, G>A. VCF-style: chr6-7584047-G-A. GRCh37 (hg19) VCF-style: chr6-7584280-G-A.
Other names: c.4988G>A, p.Gly1663Asp (NM_001008844.3); c.5456G>A, p.Gly1819Asp (NM_001319034.2); short protein forms G2262D, G1663D, G1819D.
Identifiers: ClinVar variation 1975021 (VCV001975021.6), dbSNP rs1422731756, ClinGen allele CA362691546.

ClinVar aggregate classification (germline): Conflicting classifications of pathogenicity. Review status: criteria provided, conflicting classifications (1 of 4 stars). 2 submissions from 2 submitters: Uncertain significance (1); Likely benign (1). Last evaluated 2023-12-13.

Conditions:
Arrhythmogenic right ventricular dysplasia 8 (ARVD8). Also called: ARRHYTHMOGENIC RIGHT VENTRICULAR DYSPLASIA, FAMILIAL, 8; Arrhythmogenic Right Ventricular Dysplasia/Cardiomyopathy 8; ARRHYTHMOGENIC RIGHT VENTRICULAR CARDIOMYOPATHY 8. Identifiers: MedGen C1843896, MONDO:0011831, OMIM 607450.
Arrhythmogenic cardiomyopathy with wooly hair and keratoderma. Also called: Carvajal syndrome; Dilated cardiomyopathy with woolly hair and keratoderma; PALMOPLANTAR KERATODERMA WITH LEFT VENTRICULAR CARDIOMYOPATHY AND WOOLLY HAIR; Arrhythmogenic cardiomyopathy with woolly hair and keratoderma. Identifiers: Orphanet 65282, MedGen C1854063, MONDO:0011581, OMIM 605676.

Allele frequency attached by ClinVar (database versions not stated): gnomAD exomes below 0.00001.

Submissions (2):

All of Us Research Program, National Institutes of Health
Classification: Uncertain significance for Arrhythmogenic cardiomyopathy with wooly hair and keratoderma. Last evaluated: 2023-12-13. Review status: criteria provided, single submitter. Criteria: ACMG Guidelines, 2015. Collection method: clinical testing. Allele origin: germline. Inheritance: Autosomal dominant inheritance. Observed: 1 variant allele, 1 heterozygote.
Comment: This missense variant replaces glycine with aspartic acid at codon 2262 of the DSP protein. Computational prediction suggests that this variant may have deleterious impact on protein structure and function (internally defined REVEL score threshold >= 0.7, PMID: 27666373). To our knowledge, functional studies have not been reported for this variant. This variant has not been reported in individuals affected with DSP-related disorders in the literature. This variant has been identified in 1/251426 chromosomes in the general population by the Genome Aggregation Database (gnomAD). The available evidence is insufficient to determine the role of this variant in disease conclusively. Therefore, this variant is classified as a Variant of Uncertain Significance.

This study involves interpretation of variants in research participants for the purpose of population health screening. Participant phenotype was not available at the time of variant classification. Additional details can be found in publication PMID: 35346344, PMCID: PMC8962531

Labcorp Genetics (formerly Invitae), Labcorp
Classification: Likely benign for Arrhythmogenic cardiomyopathy with wooly hair and keratoderma; Arrhythmogenic right ventricular dysplasia 8. Last evaluated: 2022-05-27. Review status: criteria provided, single submitter. Criteria: Invitae Variant Classification Sherloc (09022015). Collection method: clinical testing. Allele origin: germline.